The following is an entry in ClinVar:

ClinVar aggregate classification (germline): Conflicting classifications of pathogenicity. Review status: criteria provided, conflicting classifications (1 of 4 stars). 5 submissions from 5 submitters: Likely pathogenic (1); Uncertain significance (3); Likely benign (1). Last evaluated 2025-09-03.

Conditions:
Bethlem myopathy 1A. Also called: MYOPATHY, BENIGN CONGENITAL, WITH CONTRACTURES; Bethlem myopathy 1; Bethlem Muscular Dystrophy. Identifiers: Orphanet 610, MedGen CN029274, MONDO:0024530, OMIM 158810.

Allele frequency attached by ClinVar (database versions not stated): gnomAD 0.00001; gnomAD exomes 0.00003 and 0.00006; ExAC 0.00007.
gnomAD v4.1: 39 of 1,614,188 alleles (0.0024%); highest among the groups gnomAD compares: South Asian, 0.023%; no homozygotes.

Submissions (5):

Dasa
Classification: Uncertain significance. Last evaluated: 2025-09-03. Review status: criteria provided, single submitter. Criteria: DASA Assertion Criteria. Collection method: clinical testing. Allele origin: germline.
Comment: NM_004369.4(COL6A3):c.6898G>A (p.Gly2300Arg) is a missense variant that results in the substitution of glycine with arginine. This variant is rare in population databases. Computational prediction algorithms are consistent with a deleterious effect. The currently available literature and clinical evidence are not sufficient to establish a definitive association between this variant and the reported condition. Therefore, this variant is classified as a variant of uncertain significance.

Department of Biochemistry, All India Institute of Medical Sciences, Kalyani
Classification: Uncertain significance for Bethlem myopathy 1A. Last evaluated: 2025-05-13. Review status: criteria provided, single submitter. Criteria: ACMG Guidelines, 2015. Collection method: clinical testing. Allele origin: germline. Affected: yes.
Comment: The NM_004369.4:c. 6898G>A, is a missense variant in the exon 29 of COL6A3 gene which is predicted to result in change in amino acid Glycine to Arginine in position 2300 in the polypeptide chain. This amino acid change leads to a deleterious effect on the protein as per computational prediction tools (aggregate score Revel - 0.712) (PMID: 36413997) (PP3 – Pathogenic Supporting). This variant has an allele frequency of 0.00002416 in gnomAD v4.1.0 and 0.0002306 in South Asians (PM2 – Pathogenic Moderate). In summary, this variant meets criteria to be classified as variant of uncertain significance based on the ACMG/AMP criteria applied, as specified by PP3 & PM2 criteria.

Labcorp Genetics (formerly Invitae), Labcorp
Classification: Likely benign for Bethlem myopathy 1A. Last evaluated: 2024-03-26. Review status: criteria provided, single submitter. Criteria: Invitae Variant Classification Sherloc (09022015). Collection method: clinical testing. Allele origin: germline.

Genomic Research Center, Shahid Beheshti University of Medical Sciences
Classification: Likely pathogenic for Bethlem myopathy 1A. Last evaluated: 2017-12-03. Review status: criteria provided, single submitter. Criteria: ACMG Guidelines, 2015. Collection method: clinical testing. Allele origin: inherited. Affected: yes.

Eurofins Ntd Llc (ga)
Classification: Uncertain significance. Last evaluated: 2015-11-17. Review status: criteria provided, single submitter. Criteria: EGL Classification Definitions 2015. Collection method: clinical testing. Allele origin: germline. Observed: 1 variant allele, 1 heterozygote.

NM_004369.4(COL6A3):c.6898G>A (p.Gly2300Arg)

Gene: COL6A3 (collagen type VI alpha 3 chain; minus strand). Cytogenetic location: 2q37.3.
Variant type: single nucleotide variant.
Coding change: c.6898G>A on transcript NM_004369.4 (MANE Select); coding-DNA position 6898, G replaced by A.
Protein change: p.Gly2300Arg; replaces glycine 2300 with arginine.
Molecular consequence: missense variant.
Genome position (GRCh38, 1-based): chr2:237,348,645, C>T on the plus strand (G>A on the coding strand, the complement: COL6A3 is on the minus strand). VCF-style: chr2-237348645-C-T. GRCh37 (hg19) VCF-style: chr2-238257288-C-T.
Other names: chr2-237348645 C>T; p.Gly2300Arg; c.5077G>A, p.Gly1693Arg (NM_057166.5); c.6280G>A, p.Gly2094Arg (NM_057167.4); short protein forms G2300R, G1693R, G2094R.
Identifiers: ClinVar variation 284586 (VCV000284586.19), dbSNP rs763348222, ClinGen allele CA2188030.